The following is an entry in ClinVar:

NM_001430.5(EPAS1):c.2226C>A (p.Asn742Lys)

Gene: EPAS1 (endothelial PAS domain protein 1; plus strand). Cytogenetic location: 2p21.
Variant type: single nucleotide variant.
Coding change: c.2226C>A on transcript NM_001430.5 (MANE Select); coding-DNA position 2226, C replaced by A.
Protein change: p.Asn742Lys; replaces asparagine 742 with lysine.
Molecular consequence: missense variant.
Genome position (GRCh38, 1-based): chr2:46,382,028, C>A. VCF-style: chr2-46382028-C-A. GRCh37 (hg19) VCF-style: chr2-46609167-C-A.
Other names: short protein forms N742K.
Identifiers: ClinVar variation 2560750 (VCV002560750.2), dbSNP rs1684907862, ClinGen allele CA346705811.
Genomic context (GRCh38, chr2:46,382,028, plus strand): 5'-CTCCCAGGGGGACCCACCTGGTGGCAGCACCTCACATTTGATGTGGAAACGGATGAAGAA[C>A]CTCAGGGGTGGGAGCTGCCCTTTGATGCCGGACAAGCCACTGAGCGCAAATGTACCCAAT-3'
Protein context (NP_001421.2, residues 732-752): TSHLMWKRMK[Asn742Lys]LRGGSCPLMP

ClinVar aggregate classification (germline): Uncertain significance (1 of 4 stars; one submission).

Conditions:
Inborn genetic diseases. Identifiers: MedGen C0950123, MeSH D030342.

Allele frequency attached by ClinVar (database versions not stated): gnomAD exomes below 0.00001; TOPMed below 0.00001.
gnomAD v4.1: 1 of 1,613,876 alleles (0.000062%); highest among the groups gnomAD compares: East Asian, 0.0022%; no homozygotes.

Submission:

Ambry Genetics
Classification: Uncertain significance for Inborn genetic diseases. Last evaluated: 2023-03-22. Review status: criteria provided, single submitter. Criteria: Ambry Variant Classification Scheme 2023. Collection method: clinical testing. Allele origin: germline.
Comment: The p.N742K variant (also known as c.2226C>A), located in coding exon 14 of the EPAS1 gene, results from a C to A substitution at nucleotide position 2226. The asparagine at codon 742 is replaced by lysine, an amino acid with similar properties. This amino acid position is conserved. In addition, this alteration is predicted to be tolerated by in silico analysis. Since supporting evidence is limited at this time, the clinical significance of this alteration remains unclear.